The following is an entry in ClinVar:

ClinVar aggregate classification (germline): Likely pathogenic. Review status: criteria provided, multiple submitters, no conflicts (2 of 4 stars). 3 submissions from 3 submitters: Likely pathogenic (3). Last evaluated 2025-08-14.

Conditions:
Autosomal recessive limb-girdle muscular dystrophy type 2J (LGMDR10). Also called: MUSCULAR DYSTROPHY, LIMB-GIRDLE, AUTOSOMAL RECESSIVE 10; Limb-girdle muscular dystrophy, type 2J. Identifiers: Orphanet 140922, MedGen C1837342, MONDO:0012127, OMIM 608807.
Dilated cardiomyopathy 1G (CMD1G). Identifiers: Orphanet 154, MedGen C1858763, MONDO:0011400, OMIM 604145.
Cardiovascular phenotype. Identifiers: MedGen CN230736.

Submissions (3):

Ambry Genetics
Classification: Likely pathogenic for Cardiovascular phenotype. Last evaluated: 2025-08-14. Review status: criteria provided, single submitter. Criteria: Ambry Variant Classification Scheme 2023. Collection method: clinical testing. Allele origin: germline.
Comment: The c.15040delC variant, located in coding exon 57 of the TTN gene, results from a deletion of one nucleotide at nucleotide position 15040, causing a translational frameshift with a predicted alternate stop codon (p.R5014Efs*13). This exon is located in the I-band region of the N2-B isoform of the titin protein and is constitutively expressed in TTN transcripts (percent spliced in or PSI 100%). This variant is considered to be rare based on population cohorts in the Genome Aggregation Database (gnomAD). This variant is expected to result in loss of function by premature protein truncation or nonsense-mediated mRNA decay. While truncating variants in TTN are present in 1-3% of the general population, truncating variants in the A-band are the most common cause of dilated cardiomyopathy (Herman DS et al. N. Engl. J. Med., 2012 Feb;366:619-28; Roberts AM et al. Sci Transl Med, 2015 Jan;7:270ra6). TTN truncating variants encoded in constitutive exons (PSI >90%) have been found to be significantly associated with DCM regardless of their position in titin (Schafer S et al. Nat. Genet., 2017 01;49:46-53; Akhtar MM et al. Circ Heart Fail, 2020 Oct;13:e006832; Massier M et al. Clin Genet, 2025 Jan). Based on the majority of available evidence to date, this variant is likely to be pathogenic.

CeGaT Center for Human Genetics Tuebingen
Classification: Likely pathogenic. Last evaluated: 2025-06-01. Review status: criteria provided, single submitter. Criteria: CeGaT Center For Human Genetics Tuebingen Variant Classification Criteria Version 2. Collection method: clinical testing. Allele origin: germline. Affected: yes. Observed: 1 variant allele.
Comment: TTN: PVS1:Strong, PM2

Labcorp Genetics (formerly Invitae), Labcorp
Classification: Likely pathogenic for Dilated cardiomyopathy 1G; Autosomal recessive limb-girdle muscular dystrophy type 2J. Last evaluated: 2025-03-05. Review status: criteria provided, single submitter. Criteria: Invitae Variant Classification Sherloc (09022015). Collection method: clinical testing. Allele origin: germline.
Comment: This sequence change creates a premature translational stop signal (p.Arg14079Glufs*13) in the TTN gene. While this is not anticipated to result in nonsense mediated decay, it is expected to create a truncated TTN protein. This variant is not present in population databases (gnomAD no frequency). This variant has not been reported in the literature in individuals affected with TTN-related conditions. ClinVar contains an entry for this variant (Variation ID: 1368979). This variant is located in the I band of TTN (PMID: 25589632). Truncating variants in this region have been reported in individuals affected with autosomal recessive centronuclear myopathy (PMID: 23975875, internal data). Truncating variants in this region have also been identified in individuals affected with autosomal dominant dilated cardiomyopathy and/or cardio-related conditions (PMID: 27869827, 32964742, internal data). In summary, the currently available evidence indicates that the variant is pathogenic, but additional data are needed to prove that conclusively. Therefore, this variant has been classified as Likely Pathogenic.

Literature cited by the submitters: PubMed 25589632 (cited by Labcorp Genetics (formerly Invitae), Labcorp); PubMed 23975875 (cited by Labcorp Genetics (formerly Invitae), Labcorp); PubMed 27869827 (cited by Labcorp Genetics (formerly Invitae), Labcorp); PubMed 32964742 (cited by Labcorp Genetics (formerly Invitae), Labcorp).

NM_001267550.2(TTN):c.42235del (p.Arg14079fs)

Gene: TTN (titin; minus strand). Cytogenetic location: 2q31.2.
Variant type: Deletion.
Coding change: c.42235del on transcript NM_001267550.2 (MANE Select); coding-DNA position 42235, one base deleted (C; older notation c.42235delC).
Protein change: p.Arg14079fs; shifts the reading frame from arginine 14079.
Molecular consequence: frameshift variant.
Genome position (GRCh38, 1-based): chr2:178,634,546, G deleted on the plus strand (C on the coding strand, the reverse complement: TTN is on the minus strand); the first of 3 consecutive G bases (chr2:178,634,546-178,634,548); deleting any one gives the same sequence. VCF-style (leftmost placement, unchanged base first): chr2-178634545-CG-C. GRCh37 (hg19) VCF-style: chr2-179499272-CG-C.
Other names: c.15040delC (NM_003319.4); c.37312del, p.Arg12438fs (NM_001256850.1); c.15040del, p.Arg5014fs (NM_003319.4); c.34531del, p.Arg11511fs (NM_133378.4); c.15415del, p.Arg5139fs (NM_133432.3); c.15616del, p.Arg5206fs (NM_133437.4); short protein forms R5014fs, R11511fs, R12438fs, R14079fs, R5139fs, R5206fs.
Identifiers: ClinVar variation 1368979 (VCV001368979.17), dbSNP rs2154227519, ClinGen allele CA2573133871.